The following is an entry in ClinVar:

NM_003978.5(PSTPIP1):c.255G>C (p.Glu85Asp)

Gene: PSTPIP1 (proline-serine-threonine phosphatase interacting protein 1; plus strand). Cytogenetic location: 15q24.3.
Variant type: single nucleotide variant.
Coding change: c.255G>C on transcript NM_003978.5 (MANE Select); coding-DNA position 255, G replaced by C.
Protein change: p.Glu85Asp; replaces glutamic acid 85 with aspartic acid.
Molecular consequence: missense variant. On other transcripts: non-coding transcript variant (1).
Genome position (GRCh38, 1-based): chr15:77,025,505, G>C. VCF-style: chr15-77025505-G-C. GRCh37 (hg19) VCF-style: chr15-77317846-G-C.
Other names: c.255G>C, p.Glu85Asp (NM_001321135.2); c.228G>C, p.Glu76Asp (NM_001321136.2); c.450G>C, p.Glu150Asp (NM_001321137.1); short protein forms E150D, E76D, E85D.
Identifiers: ClinVar variation 856611 (VCV000856611.11), dbSNP rs1014025734, ClinGen allele CA393518752.

ClinVar aggregate classification (germline): Uncertain significance. Review status: criteria provided, multiple submitters, no conflicts (2 of 4 stars). 2 submissions from 2 submitters: Uncertain significance (2). Last evaluated 2023-03-28.

Conditions:
Inborn genetic diseases. Identifiers: MedGen C0950123, MeSH D030342.
Pyogenic arthritis-pyoderma gangrenosum-acne syndrome (PAPA). Also called: FAMILIAL RECURRENT ARTHRITIS; PAPA SYNDROME. Identifiers: Orphanet 69126, MedGen C1858361, MONDO:0011462, OMIM 604416.

Allele frequency attached by ClinVar (database versions not stated): TOPMed 0.00001.

Submissions (2):

Ambry Genetics
Classification: Uncertain significance for Inborn genetic diseases. Last evaluated: 2023-03-28. Review status: criteria provided, single submitter. Criteria: Ambry Variant Classification Scheme 2023. Collection method: clinical testing. Allele origin: germline.

Labcorp Genetics (formerly Invitae), Labcorp
Classification: Uncertain significance for Pyogenic arthritis-pyoderma gangrenosum-acne syndrome. Last evaluated: 2022-07-03. Review status: criteria provided, single submitter. Criteria: Invitae Variant Classification Sherloc (09022015). Collection method: clinical testing. Allele origin: germline.
Comment: In summary, the available evidence is currently insufficient to determine the role of this variant in disease. Therefore, it has been classified as a Variant of Uncertain Significance. Algorithms developed to predict the effect of missense changes on protein structure and function are either unavailable or do not agree on the potential impact of this missense change (SIFT: "Deleterious"; PolyPhen-2: "Probably Damaging"; Align-GVGD: "Class C0"). ClinVar contains an entry for this variant (Variation ID: 856611). This variant has not been reported in the literature in individuals affected with PSTPIP1-related conditions. This variant is not present in population databases (gnomAD no frequency). This sequence change replaces glutamic acid, which is acidic and polar, with aspartic acid, which is acidic and polar, at codon 85 of the PSTPIP1 protein (p.Glu85Asp).